The following is an entry in ClinVar:

NM_001395656.1(ROBO2):c.1589C>G (p.Ser530Cys)

Gene: ROBO2 (roundabout guidance receptor 2; plus strand). Cytogenetic location: 3p12.3.
Variant type: single nucleotide variant.
Coding change: c.1589C>G on transcript NM_001395656.1 (MANE Select); coding-DNA position 1589, C replaced by G.
Protein change: p.Ser530Cys; replaces serine 530 with cysteine.
Molecular consequence: missense variant. On other transcripts: 5 prime UTR variant (1).
Genome position (GRCh38, 1-based): chr3:77,563,224, C>G. VCF-style: chr3-77563224-C-G. GRCh37 (hg19) VCF-style: chr3-77612375-C-G.
Other names: c.1625C>G, p.Ser542Cys (NM_001128929.3); c.1589C>G, p.Ser530Cys (NM_001290039.2, NM_001290040.2, NM_001378202.1); c.-342C>G (NM_001290065.2); c.1637C>G, p.Ser546Cys (NM_001378190.1, NM_001378191.1, NM_001378195.1 and 4 more transcripts); c.1658C>G, p.Ser553Cys (NM_001378192.1, NM_001378194.1, NM_001378198.1 and 2 more transcripts); c.1577C>G, p.Ser526Cys (NM_001378193.1, NM_001378197.1, NM_002942.5); c.1646C>G, p.Ser549Cys (NM_001394212.1, NM_001394214.1, NM_001395657.1); short protein forms S546C, S526C, S530C, S542C, S549C, S553C.
Identifiers: ClinVar variation 2253135 (VCV002253135.5), dbSNP rs2093382186, ClinGen allele CA353520899.
Genomic context (GRCh38, chr3:77,563,224, plus strand): 5'-TAGAGTCTGGAGCAACAATCAGTAAAAACTATGATTTAAGTGACCTGCCAGGGCCACCAT[C>G]CAAACCGCAGGTCACTGATGTTACTAAGAACAGTGTCACCTTGTCCTGGCAGCCAGGTAC-3'
Protein context (NP_001382585.1, residues 520-540): YDLSDLPGPP[Ser530Cys]KPQVTDVTKN

ClinVar aggregate classification (germline): Uncertain significance. Review status: criteria provided, multiple submitters, no conflicts (2 of 4 stars). 2 submissions from 2 submitters: Uncertain significance (2). Last evaluated 2026-04-09.

Conditions:
ROBO2-related disorder. Also called: ROBO2-related condition.
Inborn genetic diseases. Identifiers: MedGen C0950123, MeSH D030342.

Allele frequency attached by ClinVar (database versions not stated): gnomAD 0.00001; gnomAD exomes 0.00001; TOPMed 0.00002.
gnomAD v4.1: 14 of 1,613,418 alleles (0.00087%); highest among the groups gnomAD compares: Admixed American, 0.0017%; no homozygotes.

Submissions (2):

PreventionGenetics, part of Exact Sciences
Classification: Uncertain significance for ROBO2-related condition. Last evaluated: 2026-04-09. Review status: criteria provided, single submitter. Criteria: ACMG Guidelines, 2015. Collection method: clinical testing. Allele origin: germline.
Comment: The ROBO2 c.1625C>G variant is predicted to result in the amino acid substitution p.Ser542Cys. To our knowledge, this variant has not been reported in the literature or in gnomAD, indicating this variant is rare. At this time, the clinical significance of this variant is uncertain due to the absence of conclusive functional and genetic evidence.

Ambry Genetics
Classification: Uncertain significance for Inborn genetic diseases. Last evaluated: 2021-10-05. Review status: criteria provided, single submitter. Criteria: Ambry Variant Classification Scheme 2023. Collection method: clinical testing. Allele origin: germline.